The following is an entry in ClinVar:

ClinVar aggregate classification (germline): Uncertain significance (0 of 4 stars; one submission).

Conditions:
F5-related disorder. Also called: F5-related condition.

Allele frequency attached by ClinVar (database versions not stated): gnomAD 0.00001; TOPMed 0.00002; ExAC 0.00003; ESP Exome Variant Server 0.00008.

Submission:

PreventionGenetics, part of Exact Sciences
Classification: Uncertain significance for F5-related condition. Last evaluated: 2024-01-12. Review status: no assertion criteria provided. Collection method: clinical testing. Allele origin: germline.
Comment: The F5 c.829G>C variant is predicted to result in the amino acid substitution p.Glu277Gln. To our knowledge, this variant has not been reported in the literature. This variant is reported in 0.0044% of alleles in individuals of European (Non-Finnish) descent in gnomAD. At this time, the clinical significance of this variant is uncertain due to the absence of conclusive functional and genetic evidence.

NM_000130.5(F5):c.829G>C (p.Glu277Gln)

Gene: F5 (coagulation factor V; minus strand). Cytogenetic location: 1q24.2.
Variant type: single nucleotide variant.
Coding change: c.829G>C on transcript NM_000130.5 (MANE Select); coding-DNA position 829, G replaced by C.
Protein change: p.Glu277Gln; replaces glutamic acid 277 with glutamine.
Molecular consequence: missense variant.
Genome position (GRCh38, 1-based): chr1:169,556,769, C>G on the plus strand (G>C on the coding strand, the complement: F5 is on the minus strand). VCF-style: chr1-169556769-C-G. GRCh37 (hg19) VCF-style: chr1-169526007-C-G.
Other names: short protein forms E277Q.
Identifiers: ClinVar variation 3030666 (VCV003030666.2), dbSNP rs370383592, ClinGen allele CA1234502.
Genomic context (GRCh38, chr1:169,556,769, plus strand): 5'-TTGCGGTAGTGGATGTAGCACTGACAAGGGTGATGGCTGAGACCTTATGATGGTTCTGCT[C>G]CAGGACCTGGCCGTTGAAATGAATGGAGAATAATTCTGGCCCCGAGCTCATTCCCAGCAG-3'
Protein context (NP_000121.2, residues 267-287): FSIHFNGQVL[Glu277Gln]QNHHKVSAIT